The following is an entry in ClinVar:

ClinVar aggregate classification (germline): Likely pathogenic (1 of 4 stars; one submission).

Conditions:
Tay-Sachs disease (TSD). Also called: HEXA DEFICIENCY; GM2 gangliosidosis, type 1; Hexosaminidase alpha-subunit deficiency (variant B); Sphingolipidosis, Tay-Sachs; Hexosaminidase A Deficiency; HEXA Disorders. Identifiers: Orphanet 845, MedGen C0039373, MONDO:0010100, OMIM 272800.

Submissions (2):

Natera, Inc.
Classification: Likely pathogenic for Tay-Sachs disease. Last evaluated: 2024-08-12. Review status: criteria provided, single submitter. Criteria: Natera Variant Classification Schema (03/2026). Collection method: clinical testing. Allele origin: germline.
Comment: The c.987-1G>T variant in HEXA is a canonical splice acceptor site variant predicted to affect pre-mRNA splicing, which may result in an abnormal transcript and altered protein product. This variant is expected to result in nonsense mediated decay, truncation, or a dysfunctional protein product. This variant is rare in the general population with a frequency below the threshold expected for the associated phenotype(s). Given the available evidence, this variant is classified as Likely Pathogenic.

Dr. Peter K. Rogan Lab, Western University
No classification provided (evidence only). Condition: Melanoma. Review status: no classification provided. Collection method: in vitro. Allele origin: not applicable. Functional consequence: retained intron. Not counted in ClinVar's aggregate classification.

NM_000520.6(HEXA):c.987-1G>T

Gene: HEXA (hexosaminidase subunit alpha; minus strand). Cytogenetic location: 15q23.
Variant type: single nucleotide variant.
Coding change: c.987-1G>T on transcript NM_000520.6 (MANE Select); the canonical splice acceptor site of the intron before coding-DNA position 987, G replaced by T.
Molecular consequence: splice acceptor variant.
Genome position (GRCh38, 1-based): chr15:72,348,135, C>A on the plus strand (G>T on the coding strand, the complement: HEXA is on the minus strand). VCF-style: chr15-72348135-C-A. GRCh37 (hg19) VCF-style: chr15-72640476-C-A.
Other names: NC_000015.9:g.72640476C>A; c.1020-1G>T (NM_001318825.2); c.987-1G>T (NM_000520.5).
Identifiers: ClinVar variation 4405389 (VCV004405389.2).